The following is an entry in ClinVar:

NM_006206.6(PDGFRA):c.11C>A (p.Ser4Tyr)

Gene: PDGFRA (platelet derived growth factor receptor alpha; plus strand). Cytogenetic location: 4q12.
Variant type: single nucleotide variant.
Coding change: c.11C>A on transcript NM_006206.6 (MANE Select); coding-DNA position 11, C replaced by A.
Protein change: p.Ser4Tyr; replaces serine 4 with tyrosine.
Molecular consequence: missense variant.
Genome position (GRCh38, 1-based): chr4:54,258,779, C>A. VCF-style: chr4-54258779-C-A. GRCh37 (hg19) VCF-style: chr4-55124946-C-A.
Other names: c.11C>A, p.Ser4Tyr (NM_001347827.2, NM_001347829.2); c.86C>A, p.Ser29Tyr (NM_001347828.2); c.50C>A, p.Ser17Tyr (NM_001347830.2); c.11C>A (NM_006206.5); short protein forms S4Y, S17Y, S29Y.
Identifiers: ClinVar variation 581334 (VCV000581334.15), dbSNP rs138929755, ClinGen allele CA2922194.
Genomic context (GRCh38, chr4:54,258,779, plus strand): 5'-TTGCTAATGCTGTTTCTGTTGACTTTTGACTTTTCTAGTTTCCCAGAGCTATGGGGACTT[C>A]CCATCCGGCGTTCCTGGTCTTAGGCTGTCTTCTCACAGGTACGGAGCCCAGTCCTCTCTG-3'
Protein context (NP_006197.1, residues 1-14): MGT[Ser4Tyr]HPAFLVLGCL

ClinVar aggregate classification (germline): Uncertain significance. Review status: criteria provided, multiple submitters, no conflicts (2 of 4 stars). 4 submissions from 4 submitters: Uncertain significance (4). Last evaluated 2025-08-25.

Conditions:
Polyps, multiple and recurrent inflammatory fibroid, gastrointestinal. Identifiers: MedGen C5193005, MONDO:0008285, OMIM 175510.
PDGFRA-related disorder. Also called: PDGFRA-related condition.
Hereditary cancer-predisposing syndrome. Also called: Neoplastic Syndromes, Hereditary; Tumor predisposition; Hereditary Cancer Syndrome; Hereditary neoplastic syndrome. Identifiers: Orphanet 140162, MedGen C0027672, MeSH D009386, MONDO:0015356.
Gastrointestinal stromal tumor. Also called: Gastrointestinal stroma tumor; Gastrointestinal stromal tumor, somatic. Identifiers: Orphanet 44890, MedGen C0238198, MeSH D046152, MONDO:0011719, OMIM 606764, HP:0100723.

Allele frequency attached by ClinVar (database versions not stated): TOPMed 0.00001; ESP Exome Variant Server 0.00008.
gnomAD v4.1: 2 of 1,613,276 alleles (0.00012%); highest among the groups gnomAD compares: African/African-American, 0.0027%; no homozygotes.

Submissions (4):

Labcorp Genetics (formerly Invitae), Labcorp
Classification: Uncertain significance for Gastrointestinal stromal tumor. Last evaluated: 2025-08-25. Review status: criteria provided, single submitter. Criteria: Invitae Variant Classification Sherloc (09022015). Collection method: clinical testing. Allele origin: germline.
Comment: This sequence change replaces serine, which is neutral and polar, with tyrosine, which is neutral and polar, at codon 4 of the PDGFRA protein (p.Ser4Tyr). This variant is present in population databases (rs138929755, gnomAD 0.007%). This variant has not been reported in the literature in individuals affected with PDGFRA-related conditions. ClinVar contains an entry for this variant (Variation ID: 581334). An algorithm developed to predict the effect of missense changes on protein structure and function (PolyPhen-2) suggests that this variant is likely to be disruptive. In summary, the available evidence is currently insufficient to determine the role of this variant in disease. Therefore, it has been classified as a Variant of Uncertain Significance.

PreventionGenetics, part of Exact Sciences
Classification: Uncertain significance for PDGFRA-related condition. Last evaluated: 2025-06-10. Review status: criteria provided, single submitter. Criteria: ACMG Guidelines, 2015. Collection method: clinical testing. Allele origin: germline.
Comment: The PDGFRA c.11C>A variant is predicted to result in the amino acid substitution p.Ser4Tyr. To our knowledge, this variant has not been reported in the literature. This variant is reported in 0.0062% of alleles in individuals of African descent in gnomAD. This variant is interpreted as variant of uncertain significance in ClinVar. At this time, the clinical significance of this variant is uncertain due to the absence of conclusive functional and genetic evidence.

Ambry Genetics
Classification: Uncertain significance for Hereditary cancer-predisposing syndrome. Last evaluated: 2025-06-05. Review status: criteria provided, single submitter. Criteria: Ambry Variant Classification Scheme 2023. Collection method: clinical testing. Allele origin: germline.
Comment: The p.S4Y variant (also known as c.11C>A), located in coding exon 1 of the PDGFRA gene, results from a C to A substitution at nucleotide position 11. The serine at codon 4 is replaced by tyrosine, an amino acid with dissimilar properties. This amino acid position is not well conserved in available vertebrate species. In addition, this alteration is predicted to be tolerated by in silico analysis. Based on the available evidence, the clinical significance of this variant remains unclear.

Baylor Genetics
Classification: Uncertain significance for Polyps, multiple and recurrent inflammatory fibroid, gastrointestinal. Last evaluated: 2023-12-06. Review status: criteria provided, single submitter. Criteria: ACMG Guidelines, 2015. Collection method: clinical testing. Allele origin: unknown.